The following is an entry in ClinVar:

NM_001042492.3(NF1):c.2991-12A>G

Gene: NF1 (neurofibromin 1; plus strand). Cytogenetic location: 17q11.2.
Variant type: single nucleotide variant.
Coding change: c.2991-12A>G on transcript NM_001042492.3 (MANE Select); 12 bases into the intron before coding-DNA position 2991, A replaced by G.
Molecular consequence: intron variant.
Genome position (GRCh38, 1-based): chr17:31,230,248, A>G. VCF-style: chr17-31230248-A-G. GRCh37 (hg19) VCF-style: chr17-29557266-A-G.
Other names: c.2991-12A>G (NM_000267.4).
Identifiers: ClinVar variation 1585256 (VCV001585256.11), dbSNP rs760838737, ClinGen allele CA8486069.
Genomic context (GRCh38, chr17:31,230,248, plus strand): 5'-ACTAAAGTATTTAGAATGCCTTCTCTTTTGTCTATATCTGATAATTTTTTTATTGTTTCT[A>G]TGTCTATATAGGTATGTTCGTGTGCTTGGGAATATGGTCCATGCAATTCAAATAAAAACG-3'

ClinVar aggregate classification (germline): Likely benign. Review status: criteria provided, multiple submitters, no conflicts (2 of 4 stars). 3 submissions from 3 submitters: Likely benign (2). 1 of the submissions does not count toward it. Last evaluated 2026-05-12.

Conditions:
NF1-related disorder. Also called: NF1-related condition. Identifiers: MedGen CN379171.
Neurofibromatosis, type 1 (NF1). Also called: VON RECKLINGHAUSEN DISEASE; Neurofibromatosis, type I; NEUROFIBROMATOSIS, TYPE I, SOMATIC; Peripheral type neurofibromatosis. Identifiers: Orphanet 636, MedGen C0027831, MONDO:0018975, OMIM 162200. Disease mechanism: loss of function.

Allele frequency attached by ClinVar (database versions not stated): gnomAD 0.00001.
gnomAD v4.1: 12 of 1,610,386 alleles (0.00075%); highest among the groups gnomAD compares: South Asian, 0.0077%; no homozygotes.

Submissions (3):

Myriad Genetics, Inc.
Classification: Likely benign for Neurofibromatosis, type 1. Last evaluated: 2026-05-12. Review status: criteria provided, single submitter. Criteria: Myriad Autosomal Dominant, Autosomal Recessive and X-Linked Classification Criteria (2023). Collection method: clinical testing. Allele origin: unknown.
Comment: This variant is considered likely benign. This variant is intronic and is not expected to impact mRNA splicing.

Labcorp Genetics (formerly Invitae), Labcorp
Classification: Likely benign for Neurofibromatosis, type 1. Last evaluated: 2025-11-10. Review status: criteria provided, single submitter. Criteria: Invitae Variant Classification Sherloc (09022015). Collection method: clinical testing. Allele origin: germline.

PreventionGenetics, part of Exact Sciences
Classification: Likely benign for NF1-related condition. Last evaluated: 2019-07-29. Review status: no assertion criteria provided. Collection method: clinical testing. Allele origin: germline. Not counted in ClinVar's aggregate classification.
Comment: This variant is classified as likely benign based on ACMG/AMP sequence variant interpretation guidelines (Richards et al. 2015 PMID: 25741868, with internal and published modifications).